The following is an entry in ClinVar:

ClinVar aggregate classification (germline): Uncertain significance (1 of 4 stars; one submission).

Conditions:
Leigh syndrome (NULS). Also called: Leigh's necrotizing encephalopathy; Leigh's disease; Leigh Syndrome (mtDNA deletion); Leigh Disease; Subacute necrotizing encephalopathy; Necrotizing encephalopathy infantile subacute of Leigh. Identifiers: Orphanet 506, MedGen C2931891, MONDO:0009723, OMIM 256000.

Submission:

Wong Mito Lab, Molecular and Human Genetics, Baylor College of Medicine
Classification: Uncertain significance for Leigh syndrome. Last evaluated: 2019-10-17. Review status: criteria provided, single submitter. Criteria: Modified ACMG Guidelines (Unpublished). Collection method: clinical testing. Allele origin: germline.
Comment: The NC_012920.1:m.13471G>A (YP_003024036.1:p.Ala379Thr) variant in MTND5 gene is interpretated to be a Uncertain Significance variant based on the modified ACMG guidelines (unpublished). This variant meets the following evidence codes: BS4

NC_012920.1(MT-ND5):m.13471G>A

Gene: MT-ND5 (mitochondrially encoded NADH dehydrogenase 5; plus strand).
Variant type: single nucleotide variant.
Genome position: chrM-13471-G-A.
Identifiers: ClinVar variation 693560 (VCV000693560.1), dbSNP rs1603224200, ClinGen allele CA414818135.